The following is an entry in ClinVar:

NM_024675.4(PALB2):c.887del (p.Met296fs)

Gene: PALB2 (partner and localizer of BRCA2; minus strand). Cytogenetic location: 16p12.2.
Variant type: Deletion.
Coding change: c.887del on transcript NM_024675.4 (MANE Select); coding-DNA position 887, one base deleted (T; older notation c.887delT).
Protein change: p.Met296fs; shifts the reading frame from methionine 296.
Molecular consequence: frameshift variant.
Genome position (GRCh38, 1-based): chr16:23,635,659, A deleted on the plus strand (T on the coding strand, the reverse complement: PALB2 is on the minus strand). VCF-style (leftmost placement, unchanged base first): chr16-23635658-CA-C. GRCh37 (hg19) VCF-style: chr16-23646979-CA-C.
Other names: short protein forms M296fs.
Identifiers: ClinVar variation 1068558 (VCV001068558.11), dbSNP rs2142432029, ClinGen allele CA2499223443.

ClinVar aggregate classification (germline): Pathogenic. Review status: criteria provided, multiple submitters, no conflicts (2 of 4 stars). 3 submissions from 3 submitters: Pathogenic (3). Last evaluated 2025-10-06.

Conditions:
Hereditary cancer-predisposing syndrome. Also called: Hereditary neoplastic syndrome; Tumor predisposition; Hereditary Cancer Syndrome; Neoplastic Syndromes, Hereditary. Identifiers: Orphanet 140162, MedGen C0027672, MeSH D009386, MONDO:0015356.
Familial cancer of breast. Also called: hereditary breast carcinoma; BREAST CANCER, FAMILIAL; Hereditary breast cancer. Identifiers: Orphanet 227535, MedGen C0346153, MONDO:0016419, OMIM 114480. Disease mechanism: loss of function.

Submissions (3):

Labcorp Genetics (formerly Invitae), Labcorp
Classification: Pathogenic for Familial cancer of breast. Last evaluated: 2025-10-06. Review status: criteria provided, single submitter. Criteria: Invitae Variant Classification Sherloc (09022015). Collection method: clinical testing. Allele origin: germline.
Comment: This sequence change creates a premature translational stop signal (p.Met296Argfs*10) in the PALB2 gene. It is expected to result in an absent or disrupted protein product. Loss-of-function variants in PALB2 are known to be pathogenic (PMID: 17200668, 17200671, 17200672, 24136930, 25099575). This variant is not present in population databases (gnomAD no frequency). This variant has not been reported in the literature in individuals affected with PALB2-related conditions. ClinVar contains an entry for this variant (Variation ID: 1068558). For these reasons, this variant has been classified as Pathogenic.

Myriad Genetics, Inc.
Classification: Pathogenic for Familial cancer of breast. Last evaluated: 2023-09-07. Review status: criteria provided, single submitter. Criteria: Myriad Autosomal Dominant, Autosomal Recessive and X-Linked Classification Criteria (2023). Collection method: clinical testing. Allele origin: unknown.
Comment: This variant is considered pathogenic. This variant creates a frameshift predicted to result in premature protein truncation.

Ambry Genetics
Classification: Pathogenic for Hereditary cancer-predisposing syndrome. Last evaluated: 2018-05-15. Review status: criteria provided, single submitter. Criteria: Ambry Variant Classification Scheme 2023. Collection method: clinical testing. Allele origin: germline.
Comment: The c.887delT pathogenic mutation, located in coding exon 4 of the PALB2 gene, results from a deletion of one nucleotide at nucleotide position 887, causing a translational frameshift with a predicted alternate stop codon (p.M296Rfs*10). This alteration is expected to result in loss of function by premature protein truncation or nonsense-mediated mRNA decay. As such, this alteration is interpreted as a disease-causing mutation.

Literature cited by the submitters: PubMed 17200668 (cited by Labcorp Genetics (formerly Invitae), Labcorp); PubMed 17200671 (cited by Labcorp Genetics (formerly Invitae), Labcorp); PubMed 17200672 (cited by Labcorp Genetics (formerly Invitae), Labcorp); PubMed 24136930 (cited by Labcorp Genetics (formerly Invitae), Labcorp); PubMed 25099575 (cited by Labcorp Genetics (formerly Invitae), Labcorp).